The following is an entry in ClinVar:

NM_000138.5(FBN1):c.4733del (p.Pro1578fs)

Gene: FBN1 (fibrillin 1; minus strand). Cytogenetic location: 15q21.1.
Variant type: Deletion.
Coding change: c.4733del on transcript NM_000138.5 (MANE Select); coding-DNA position 4733, one base deleted (C; older notation c.4733delC).
Protein change: p.Pro1578fs; shifts the reading frame from proline 1578.
Molecular consequence: frameshift variant.
Genome position (GRCh38, 1-based): chr15:48,467,952, G deleted on the plus strand (C on the coding strand, the reverse complement: FBN1 is on the minus strand); the first of 2 consecutive G bases (chr15:48,467,952-48,467,953); deleting either gives the same sequence. VCF-style (leftmost placement, unchanged base first): chr15-48467951-AG-A. GRCh37 (hg19) VCF-style: chr15-48760148-AG-A.
Other names: c.4732delC, p.Pro1578Leufs (NM_001406716.1); c.4733delC (NM_000138.4); short protein forms P1578fs.
Identifiers: ClinVar variation 1742733 (VCV001742733.2), dbSNP rs2505501452, ClinGen allele CA2580089654.

ClinVar aggregate classification (germline): Pathogenic (1 of 4 stars; one submission).

Conditions:
Familial thoracic aortic aneurysm and aortic dissection (TAAD). Also called: Thoracic aortic aneurysms and dissections. Identifiers: Orphanet 91387, MedGen C4707243, MONDO:0019625.

Submission:

Ambry Genetics
Classification: Pathogenic for Familial thoracic aortic aneurysm and aortic dissection. Last evaluated: 2018-09-28. Review status: criteria provided, single submitter. Criteria: Ambry Variant Classification Scheme 2023. Collection method: clinical testing. Allele origin: germline.
Comment: The c.4733delC pathogenic mutation, located in coding exon 37 of the FBN1 gene, results from a deletion of one nucleotide at nucleotide position 4733, causing a translational frameshift with a predicted alternate stop codon (p.P1578Lfs*3), and is located in the TGFBP #04 domain. This alteration is expected to result in loss of function by premature protein truncation or nonsense-mediated mRNA decay. As such, this alteration is interpreted as a disease-causing mutation.